The following is an entry in ClinVar:

NM_005530.3(IDH3A):c.211A>T (p.Ile71Phe)

Gene: IDH3A (isocitrate dehydrogenase (NAD(+)) 3 catalytic subunit alpha; plus strand). Cytogenetic location: 15q25.1.
Variant type: single nucleotide variant.
Coding change: c.211A>T on transcript NM_005530.3 (MANE Select); coding-DNA position 211, A replaced by T.
Protein change: p.Ile71Phe; replaces isoleucine 71 with phenylalanine.
Molecular consequence: missense variant.
Genome position (GRCh38, 1-based): chr15:78,160,128, A>T. VCF-style: chr15-78160128-A-T. GRCh37 (hg19) VCF-style: chr15-78452470-A-T.
Other names: short protein forms I71F.
Identifiers: ClinVar variation 1467648 (VCV001467648.6), dbSNP rs769283673, ClinGen allele CA7680516.

ClinVar aggregate classification (germline): Uncertain significance (1 of 4 stars; one submission).

Allele frequency attached by ClinVar (database versions not stated): TOPMed below 0.00001.
gnomAD v4.1: 3 of 1,613,534 alleles (0.00019%); highest among the groups gnomAD compares: South Asian, 0.0033%; 1 homozygote.

Submission:

Labcorp Genetics (formerly Invitae), Labcorp
Classification: Uncertain significance. Last evaluated: 2022-07-12. Review status: criteria provided, single submitter. Criteria: Invitae Variant Classification Sherloc (09022015). Collection method: clinical testing. Allele origin: germline.
Comment: This sequence change replaces isoleucine, which is neutral and non-polar, with phenylalanine, which is neutral and non-polar, at codon 71 of the IDH3A protein (p.Ile71Phe). This variant is present in population databases (rs769283673, gnomAD 0.003%). This variant has not been reported in the literature in individuals affected with IDH3A-related conditions. ClinVar contains an entry for this variant (Variation ID: 1467648). Algorithms developed to predict the effect of missense changes on protein structure and function are either unavailable or do not agree on the potential impact of this missense change (SIFT: "Deleterious"; PolyPhen-2: "Benign"; Align-GVGD: "Class C0"). In summary, the available evidence is currently insufficient to determine the role of this variant in disease. Therefore, it has been classified as a Variant of Uncertain Significance.